The following is an entry in ClinVar:

ClinVar aggregate classification (germline): Likely benign. Review status: criteria provided, single submitter (1 of 4 stars). 2 submissions from 2 submitters: Likely benign (1). 1 of the submissions does not count toward it. Last evaluated 2022-03-19.

Conditions:
KCNH1-related disorder. Also called: KCNH1-related disorders; KCNH1-related condition.

Allele frequency attached by ClinVar (database versions not stated): gnomAD exomes below 0.00001; TOPMed below 0.00001; gnomAD 0.00001.
gnomAD v4.1: 6 of 1,614,128 alleles (0.00037%); highest among the groups gnomAD compares: African/African-American, 0.0067%; no homozygotes.

Submissions (2):

Labcorp Genetics (formerly Invitae), Labcorp
Classification: Likely benign. Last evaluated: 2022-03-19. Review status: criteria provided, single submitter. Criteria: Invitae Variant Classification Sherloc (09022015). Collection method: clinical testing. Allele origin: germline.

PreventionGenetics, part of Exact Sciences
Classification: Likely benign for KCNH1-related condition. Last evaluated: 2019-03-11. Review status: no assertion criteria provided. Collection method: clinical testing. Allele origin: germline. Not counted in ClinVar's aggregate classification.
Comment: This variant is classified as likely benign based on ACMG/AMP sequence variant interpretation guidelines (Richards et al. 2015 PMID: 25741868, with internal and published modifications).

NM_172362.3(KCNH1):c.2583A>G (p.Thr861=)

Gene: KCNH1 (potassium voltage-gated channel subfamily H member 1; minus strand). Cytogenetic location: 1q32.2.
Variant type: single nucleotide variant.
Coding change: c.2583A>G on transcript NM_172362.3 (MANE Select); coding-DNA position 2583, A replaced by G.
Protein change: p.Thr861=; no amino-acid change (threonine 861 retained).
Molecular consequence: synonymous variant.
Genome position (GRCh38, 1-based): chr1:210,683,668, T>C on the plus strand (A>G on the coding strand, the complement: KCNH1 is on the minus strand). VCF-style: chr1-210683668-T-C. GRCh37 (hg19) VCF-style: chr1-210857010-T-C.
Other names: c.2583A>G (NM_172362.2); c.2502A>G, p.Thr834= (NM_002238.4).
Identifiers: ClinVar variation 1628855 (VCV001628855.10), dbSNP rs1681331246, ClinGen allele CA423145399.
Genomic context (GRCh38, chr1:210,683,668, plus strand): 5'-GTCACACGAGTCTGTCTTCTTCAGTGTGGCCTCGCCTGACGCTTTTGTCCTCTCGGGAAG[T>C]GTCTCCATCGACTCAGCCTTGGACACCTTGTTCCAGTCCTCACTCTTCCCGCAAGCATCT-3'
Protein context (NP_758872.1, residues 851-871): NKVSKAESME[Thr861=]LPERTKASGE